The following is an entry in ClinVar:

NM_014251.3(SLC25A13):c.1210G>T (p.Glu404Ter)

Gene: SLC25A13 (solute carrier family 25 member 13; minus strand). Cytogenetic location: 7q21.3.
Variant type: single nucleotide variant.
Coding change: c.1210G>T on transcript NM_014251.3 (MANE Select); coding-DNA position 1210, G replaced by T.
Protein change: p.Glu404Ter; replaces glutamic acid 404 with a stop codon.
Molecular consequence: nonsense. On other transcripts: non-coding transcript variant (1).
Genome position (GRCh38, 1-based): chr7:96,171,492, C>A on the plus strand (G>T on the coding strand, the complement: SLC25A13 is on the minus strand). VCF-style: chr7-96171492-C-A. GRCh37 (hg19) VCF-style: chr7-95800804-C-A.
Other names: c.1213G>T, p.Glu405Ter (NM_001160210.2); short protein forms E404*, E405*.
Identifiers: ClinVar variation 1696310 (VCV001696310.2), dbSNP rs1793999476, ClinGen allele CA368259095.

ClinVar aggregate classification (germline): Likely pathogenic. Review status: criteria provided, multiple submitters, no conflicts (2 of 4 stars). 2 submissions from 2 submitters: Likely pathogenic (2). Last evaluated 2024-06-06.

Conditions:
Citrullinemia type II. Also called: Citrullinemia Type II (CTLN2). Identifiers: Orphanet 247585, MedGen C1863844, MONDO:0016603.
Neonatal intrahepatic cholestasis due to citrin deficiency (CDNI). Also called: Neonatal-onset citrullinemia type II; Neonatal-onset citrullinemia type 2; Neonatal Intrahepatic Cholestasis Caused by Citrin Deficiency (NICCD); CITRIN DEFICIENCY, NEONATAL OR INFANTILE ONSET. Identifiers: Orphanet 247598, MedGen C1853942, MONDO:0011601, OMIM 605814.
Citrullinemia, type II, adult-onset (CDAA). Also called: CITRIN DEFICIENCY, ADOLESCENT OR ADULT ONSET. Identifiers: Orphanet 247585, MedGen CN295299, MONDO:0011326, OMIM 603471.

Submissions (2):

Fulgent Genetics
Classification: Likely pathogenic for Citrullinemia, type II, adult-onset; Neonatal intrahepatic cholestasis due to citrin deficiency. Last evaluated: 2024-06-06. Review status: criteria provided, single submitter. Criteria: ACMG Guidelines, 2015. Collection method: clinical testing. Allele origin: germline.

Women's Health and Genetics/Laboratory Corporation of America, LabCorp
Classification: Likely pathogenic for Citrullinemia type II. Last evaluated: 2022-05-19. Review status: criteria provided, single submitter. Criteria: LabCorp Variant Classification Summary - May 2015. Collection method: clinical testing. Allele origin: germline.
Comment: Variant summary: SLC25A13 c.1210G>T (p.Glu404X) results in a premature termination codon, predicted to cause a truncation of the encoded protein or absence of the protein due to nonsense mediated decay, which are commonly known mechanisms for disease. Truncations downstream of this position have been classified as pathogenic by our laboratory. The variant was absent in 251138 control chromosomes. To our knowledge, no occurrence of c.1210G>T in individuals affected with Citrullinemia Type II and no experimental evidence demonstrating its impact on protein function have been reported. No clinical diagnostic laboratories have submitted clinical-significance assessments for this variant to ClinVar after 2014. Based on the evidence outlined above, the variant was classified as likely pathogenic.